The following is an entry in ClinVar:

ClinVar aggregate classification (germline): Uncertain significance (1 of 4 stars; one submission).

Submission:

Labcorp Genetics (formerly Invitae), Labcorp
Classification: Uncertain significance. Last evaluated: 2022-06-08. Review status: criteria provided, single submitter. Criteria: Invitae Variant Classification Sherloc (09022015). Collection method: clinical testing. Allele origin: germline.
Comment: This variant is not present in population databases (gnomAD no frequency). This sequence change replaces glycine, which is neutral and non-polar, with glutamic acid, which is acidic and polar, at codon 946 of the COL11A1 protein (p.Gly946Glu). This variant has not been reported in the literature in individuals affected with COL11A1-related conditions. Advanced modeling of protein sequence and biophysical properties (such as structural, functional, and spatial information, amino acid conservation, physicochemical variation, residue mobility, and thermodynamic stability) performed at Invitae indicates that this missense variant is expected to disrupt COL11A1 protein function. In summary, the available evidence is currently insufficient to determine the role of this variant in disease. Therefore, it has been classified as a Variant of Uncertain Significance.

NM_001854.4(COL11A1):c.2837G>A (p.Gly946Glu)

Gene: COL11A1 (collagen type XI alpha 1 chain; minus strand). Cytogenetic location: 1p21.1.
Variant type: single nucleotide variant.
Coding change: c.2837G>A on transcript NM_001854.4 (MANE Select); coding-DNA position 2837, G replaced by A.
Protein change: p.Gly946Glu; replaces glycine 946 with glutamic acid.
Molecular consequence: missense variant. On other transcripts: non-coding transcript variant (1).
Genome position (GRCh38, 1-based): chr1:102,970,244, C>T on the plus strand (G>A on the coding strand, the complement: COL11A1 is on the minus strand). VCF-style: chr1-102970244-C-T. GRCh37 (hg19) VCF-style: chr1-103435800-C-T.
Other names: c.2489G>A, p.Gly830Glu (NM_001168249.1, NM_080630.4); c.2720G>A, p.Gly907Glu (NM_001190709.2); c.2873G>A, p.Gly958Glu (NM_080629.3); short protein forms G830E, G907E, G946E, G958E.
Identifiers: ClinVar variation 2003421 (VCV002003421.4), dbSNP rs2525015580, ClinGen allele CA341160610.